The following is an entry in ClinVar:

ClinVar aggregate classification (germline): Uncertain significance (1 of 4 stars; one submission).

Conditions:
Atrial fibrillation, familial, 18 (ATFB18). Identifiers: MedGen C4310636, MONDO:0015001, OMIM 617280.

Submission:

Labcorp Genetics (formerly Invitae), Labcorp
Classification: Uncertain significance for Atrial fibrillation, familial, 18. Last evaluated: 2025-11-16. Review status: criteria provided, single submitter. Criteria: Invitae Variant Classification Sherloc (09022015). Collection method: clinical testing. Allele origin: germline.
Comment: This sequence change replaces glutamic acid, which is acidic and polar, with valine, which is neutral and non-polar, at codon 154 of the MYL4 protein (p.Glu154Val). This variant is not present in population databases (gnomAD no frequency). This variant has not been reported in the literature in individuals affected with MYL4-related conditions. An algorithm developed to predict the effect of missense changes on protein structure and function (PolyPhen-2) suggests that this variant is likely to be disruptive. In summary, the available evidence is currently insufficient to determine the role of this variant in disease. Therefore, it has been classified as a Variant of Uncertain Significance.

NM_002476.2(MYL4):c.461A>T (p.Glu154Val)

Gene: MYL4 (myosin light chain 4; plus strand). Cytogenetic location: 17q21.32.
Variant type: single nucleotide variant.
Coding change: c.461A>T on transcript NM_002476.2 (MANE Select); coding-DNA position 461, A replaced by T.
Protein change: p.Glu154Val; replaces glutamic acid 154 with valine.
Molecular consequence: missense variant.
Genome position (GRCh38, 1-based): chr17:47,221,829, A>T. VCF-style: chr17-47221829-A-T. GRCh37 (hg19) VCF-style: chr17-45299195-A-T.
Other names: c.461A>T, p.Glu154Val (NM_001002841.2); short protein forms E154V.
Identifiers: ClinVar variation 4731271 (VCV004731271.1).